The following is an entry in ClinVar:

NM_004218.4(RAB11B):c.386G>A (p.Arg129His)

Gene: RAB11B (RAB11B, member RAS oncogene family; plus strand). Cytogenetic location: 19p13.2.
Variant type: single nucleotide variant.
Coding change: c.386G>A on transcript NM_004218.4 (MANE Select); coding-DNA position 386, G replaced by A.
Protein change: p.Arg129His; replaces arginine 129 with histidine.
Molecular consequence: missense variant.
Genome position (GRCh38, 1-based): chr19:8,402,235, G>A. VCF-style: chr19-8402235-G-A. GRCh37 (hg19) VCF-style: chr19-8467119-G-A.
Other names: short protein forms R129H.
Identifiers: ClinVar variation 2791380 (VCV002791380.3), dbSNP rs2512747609, ClinGen allele CA403714571.
Genomic context (GRCh38, chr19:8,402,235, plus strand): 5'-TGCGGGACCACGCAGACAGCAACATCGTCATCATGCTGGTGGGCAACAAGAGTGACCTGC[G>A]CCACCTGCGGGCTGTGCCCACTGACGAGGCCCGCGCCTTCGCAGGTGAGCAGACGGAGAC-3'
Protein context (NP_004209.2, residues 119-139): IMLVGNKSDL[Arg129His]HLRAVPTDEA

ClinVar aggregate classification (germline): Uncertain significance (1 of 4 stars; one submission).

Submission:

Labcorp Genetics (formerly Invitae), Labcorp
Classification: Uncertain significance. Last evaluated: 2024-02-07. Review status: criteria provided, single submitter. Criteria: Invitae Variant Classification Sherloc (09022015). Collection method: clinical testing. Allele origin: germline.
Comment: This sequence change replaces arginine, which is basic and polar, with histidine, which is basic and polar, at codon 129 of the RAB11B protein (p.Arg129His). This variant is not present in population databases (gnomAD no frequency). This variant has not been reported in the literature in individuals affected with RAB11B-related conditions. An algorithm developed to predict the effect of missense changes on protein structure and function (PolyPhen-2) suggests that this variant is likely to be disruptive. In summary, the available evidence is currently insufficient to determine the role of this variant in disease. Therefore, it has been classified as a Variant of Uncertain Significance.